The following is an entry in ClinVar:

NM_006073.4(TRDN):c.1771T>C (p.Ser591Pro)

Gene: TRDN (triadin; minus strand). Cytogenetic location: 6q22.31.
Variant type: single nucleotide variant.
Coding change: c.1771T>C on transcript NM_006073.4 (MANE Select); coding-DNA position 1771, T replaced by C.
Protein change: p.Ser591Pro; replaces serine 591 with proline.
Molecular consequence: missense variant.
Genome position (GRCh38, 1-based): chr6:123,267,719, A>G on the plus strand (T>C on the coding strand, the complement: TRDN is on the minus strand). VCF-style: chr6-123267719-A-G. GRCh37 (hg19) VCF-style: chr6-123588864-A-G.
Other names: short protein forms S591P.
Identifiers: ClinVar variation 1779812 (VCV001779812.3), dbSNP rs759615347, ClinGen allele CA3983765.
Genomic context (GRCh38, chr6:123,267,719, plus strand): 5'-AAAAATAGTGAACATAAGACAGAATATAAACCAAAAATGGTAAAATACCTGTTTTTATAG[A>G]TGGAGGTTCTCTTTCTCGATGTTCAGCTTTTTCTAGAGAAAGAAATCAAAATTCACTGGC-3'
Protein context (NP_006064.2, residues 581-601): KAEHREREPP[Ser591Pro]IKTDKPKPTP

ClinVar aggregate classification (germline): Uncertain significance (1 of 4 stars; one submission).

Conditions:
Cardiovascular phenotype. Identifiers: MedGen CN230736.

Allele frequency attached by ClinVar (database versions not stated): ExAC 0.00004.
gnomAD v4.1: 1 of 1,581,180 alleles (0.000063%); highest among the groups gnomAD compares: Non-Finnish European, 0.000086%; no homozygotes.

Submission:

Ambry Genetics
Classification: Uncertain significance for Cardiovascular phenotype. Last evaluated: 2024-03-24. Review status: criteria provided, single submitter. Criteria: Ambry Variant Classification Scheme 2023. Collection method: clinical testing. Allele origin: germline.
Comment: The p.S591P variant (also known as c.1771T>C), located in coding exon 32 of the TRDN gene, results from a T to C substitution at nucleotide position 1771. The serine at codon 591 is replaced by proline, an amino acid with similar properties. This amino acid position is conserved. In addition, this alteration is predicted to be tolerated by in silico analysis. Since supporting evidence is limited at this time, the clinical significance of this alteration remains unclear.